The following is an entry in ClinVar:

Conditions:
Breast-ovarian cancer, familial, susceptibility to, 1 (BROVCA1). Also called: BRCA1 Hereditary Breast and Ovarian Cancer; OVARIAN CANCER, SUSCEPTIBILITY TO. Identifiers: Orphanet 145, MedGen C2676676, MONDO:0011450, OMIM 604370. Disease mechanism: loss of function.

Submission:

Brotman Baty Institute, University of Washington
No classification provided (evidence only). Condition: Breast-ovarian cancer, familial 1. Review status: no classification provided. Collection method: in vitro. Allele origin: not applicable. Functional consequence: functionally_normal.
ClinVar note: "not provided" was previously submitted as the classification for the variant. However, the classification appeared to be based only on an observation of functional data so it was converted to no classification on 2025-07-30.

NM_007294.4(BRCA1):c.5169T>A (p.Ile1723=)

Gene: BRCA1 (BRCA1 DNA repair associated; minus strand). Cytogenetic location: 17q21.31.
Variant type: single nucleotide variant.
Coding change: c.5169T>A on transcript NM_007294.4 (MANE Select); coding-DNA position 5169, T replaced by A.
Protein change: p.Ile1723=; no amino-acid change (isoleucine 1723 retained).
Molecular consequence: synonymous variant.
Genome position (GRCh38, 1-based): chr17:43,063,357, A>T on the plus strand (T>A on the coding strand, the complement: BRCA1 is on the minus strand). VCF-style: chr17-43063357-A-T. GRCh37 (hg19) VCF-style: chr17-41215374-A-T.
Other names: c.1857T>A, p.Ile619= (NM_001408472.1, NM_007298.4, NM_007299.4 and 13 more transcripts); c.1854T>A, p.Ile618= (NM_001408473.1, NM_001408392.1, NM_001408396.1 and 8 more transcripts); c.1659T>A, p.Ile553= (NM_001408474.1); c.1656T>A, p.Ile552= (NM_001408475.1, NM_001408476.1); c.1650T>A, p.Ile550= (NM_001408478.1, NM_001408479.1, NM_001408480.1); c.1647T>A, p.Ile549= (NM_001408481.1, NM_001408482.1, NM_001408483.1 and 5 more transcripts); c.1644T>A, p.Ile548= (NM_001408492.1, NM_001408493.1); c.1620T>A, p.Ile540= (NM_001408494.1); and 72 more.
Identifiers: ClinVar variation 867430 (VCV000867430.3), dbSNP rs2051864221, ClinGen allele CA500146051.
Genomic context (GRCh38, chr17:43,063,357, plus strand): 5'-AATATCTCTGGTTAGTTTGTAACATCAAGTACTTACCTCATTCAGCATTTTTCTTTCTTT[A>T]ATAGACTGGGTCACCCCTAAAGAGATCATAGAAAAGACAGGTTACATACAGCAGAAGAAC-3'
Protein context (NP_009225.1, residues 1713-1733): VVSYFWVTQS[Ile1723=]KERKMLNEHD